The following is an entry in ClinVar:

ClinVar aggregate classification (germline): Uncertain significance (1 of 4 stars; one submission).

Conditions:
Hereditary cancer-predisposing syndrome. Also called: Neoplastic Syndromes, Hereditary; Tumor predisposition; Hereditary Cancer Syndrome; Hereditary neoplastic syndrome. Identifiers: Orphanet 140162, MedGen C0027672, MeSH D009386, MONDO:0015356.

Submission:

Ambry Genetics
Classification: Uncertain significance for Hereditary cancer-predisposing syndrome. Last evaluated: 2025-08-08. Review status: criteria provided, single submitter. Criteria: Ambry Variant Classification Scheme 2023. Collection method: clinical testing. Allele origin: germline.
Comment: The p.S655T variant (also known as c.1963T>A), located in coding exon 18 of the TSC2 gene, results from a T to A substitution at nucleotide position 1963. The serine at codon 655 is replaced by threonine, an amino acid with similar properties. This amino acid position is conserved. In addition, this alteration is predicted to be tolerated by in silico analysis. Based on the available evidence, the clinical significance of this variant remains unclear.

NM_000548.5(TSC2):c.1963T>A (p.Ser655Thr)

Gene: TSC2 (TSC complex subunit 2; plus strand). Cytogenetic location: 16p13.3.
Variant type: single nucleotide variant.
Coding change: c.1963T>A on transcript NM_000548.5 (MANE Select); coding-DNA position 1963, T replaced by A.
Protein change: p.Ser655Thr; replaces serine 655 with threonine.
Molecular consequence: missense variant. On other transcripts: non-coding transcript variant (5).
Genome position (GRCh38, 1-based): chr16:2,071,800, T>A. VCF-style: chr16-2071800-T-A. GRCh37 (hg19) VCF-style: chr16-2121801-T-A.
Other names: c.1363T>A, p.Ser455Thr (NM_001406682.1, NM_001406683.1, NM_001406684.1 and 6 more transcripts); c.619T>A, p.Ser207Thr (NM_001406689.1, NM_001406690.1, NM_001406691.1 and 6 more transcripts); c.1963T>A, p.Ser655Thr (NM_001077183.3, NM_001114382.3, NM_001363528.2 and 6 more transcripts); c.1852T>A, p.Ser618Thr (NM_001318827.2, NM_001406670.1, NM_001406678.1); c.1816T>A, p.Ser606Thr (NM_001318829.2, NM_001406675.1, NM_001406676.1 and 1 more transcripts); c.1996T>A, p.Ser666Thr (NM_001318832.2); c.2053T>A, p.Ser685Thr (NM_001406667.1, NM_001406668.1); c.1951T>A, p.Ser651Thr (NM_001406671.1, NM_001406673.1); and 3 more; short protein forms S618T, S666T, S455T, S501T, S207T, S651T, S121T, S606T.
Identifiers: ClinVar variation 4192175 (VCV004192175.1).